The following is an entry in ClinVar:

NM_001199198.3(TBC1D23):c.1801G>T (p.Glu601Ter)

Gene: TBC1D23 (TBC1 domain family member 23; plus strand). Cytogenetic location: 3q12.2.
Variant type: single nucleotide variant.
Coding change: c.1801G>T on transcript NM_001199198.3 (MANE Select); coding-DNA position 1801, G replaced by T.
Protein change: p.Glu601Ter; replaces glutamic acid 601 with a stop codon.
Molecular consequence: nonsense.
Genome position (GRCh38, 1-based): chr3:100,319,182, G>T. VCF-style: chr3-100319182-G-T. GRCh37 (hg19) VCF-style: chr3-100038026-G-T.
Other names: c.1756G>T, p.Glu586Ter (NM_018309.5); short protein forms E586*, E601*.
Identifiers: ClinVar variation 1806653 (VCV001806653.1), dbSNP rs767318403, ClinGen allele CA2514837.

ClinVar aggregate classification (germline): Uncertain significance (1 of 4 stars; one submission).

Allele frequency attached by ClinVar (database versions not stated): gnomAD exomes below 0.00001; ExAC 0.00001.
gnomAD v4.1: 5 of 1,607,600 alleles (0.00031%); highest among the groups gnomAD compares: Non-Finnish European, 0.00034%; no homozygotes.

Submission:

GeneDx
Classification: Uncertain significance. Last evaluated: 2022-06-20. Review status: criteria provided, single submitter. Criteria: GeneDx Variant Classification Process June 2021. Collection method: clinical testing. Allele origin: germline. Affected: yes.
Comment: Nonsense variant predicted to result in protein truncation or nonsense mediated decay in a gene for which loss of function is a known mechanism of disease; Has not been previously published as pathogenic or benign to our knowledge